The following is an entry in ClinVar:

NM_014639.4(SKIC3):c.1052T>G (p.Leu351Arg)

Gene: SKIC3 (SKI3 subunit of superkiller complex; minus strand). Cytogenetic location: 5q15.
Variant type: single nucleotide variant.
Coding change: c.1052T>G on transcript NM_014639.4 (MANE Select); coding-DNA position 1052, T replaced by G.
Protein change: p.Leu351Arg; replaces leucine 351 with arginine.
Molecular consequence: missense variant.
Genome position (GRCh38, 1-based): chr5:95,528,095, A>C on the plus strand (T>G on the coding strand, the complement: SKIC3 is on the minus strand). VCF-style: chr5-95528095-A-C. GRCh37 (hg19) VCF-style: chr5-94863799-A-C.
Other names: short protein forms L351R.
Identifiers: ClinVar variation 2037887 (VCV002037887.2), dbSNP rs150731508, ClinGen allele CA3347438.
Genomic context (GRCh38, chr5:95,528,095, plus strand): 5'-TCCTCTGAAGAGTCATAATCTGAGAGTTTAATCAAAGCCTCTGCTTTCAAATGAAGACAA[A>C]GATTCCTCTGATAAAGACTGTTACCAGACGCACCAAGATTATCTACGATCTTCAGAGCTG-3'
Protein context (NP_055454.1, residues 341-361): ASGNSLYQRN[Leu351Arg]CLHLKAEALI

ClinVar aggregate classification (germline): Uncertain significance. Review status: criteria provided, multiple submitters, no conflicts (2 of 4 stars). 2 submissions from 2 submitters: Uncertain significance (2). Last evaluated 2024-05-28.

Conditions:
Inborn genetic diseases. Identifiers: MedGen C0950123, MeSH D030342.

Allele frequency attached by ClinVar (database versions not stated): ExAC 0.00001; gnomAD 0.00007; TOPMed 0.00010; ESP Exome Variant Server 0.00015.
gnomAD v4.1: 18 of 1,613,768 alleles (0.0011%); highest among the groups gnomAD compares: African/African-American, 0.023%; no homozygotes.

Submissions (2):

Ambry Genetics
Classification: Uncertain significance for Inborn genetic diseases. Last evaluated: 2024-05-28. Review status: criteria provided, single submitter. Criteria: Ambry Variant Classification Scheme 2023. Collection method: clinical testing. Allele origin: germline.

Labcorp Genetics (formerly Invitae), Labcorp
Classification: Uncertain significance. Last evaluated: 2022-06-21. Review status: criteria provided, single submitter. Criteria: Invitae Variant Classification Sherloc (09022015). Collection method: clinical testing. Allele origin: germline.
Comment: This sequence change replaces leucine, which is neutral and non-polar, with arginine, which is basic and polar, at codon 351 of the TTC37 protein (p.Leu351Arg). This variant is present in population databases (rs150731508, gnomAD 0.02%). This variant has not been reported in the literature in individuals affected with TTC37-related conditions. Algorithms developed to predict the effect of missense changes on protein structure and function output the following: SIFT: "Tolerated"; PolyPhen-2: "Benign"; Align-GVGD: "Class C0". The arginine amino acid residue is found in multiple mammalian species, which suggests that this missense change does not adversely affect protein function. Algorithms developed to predict the effect of sequence changes on RNA splicing suggest that this variant may create or strengthen a splice site. In summary, the available evidence is currently insufficient to determine the role of this variant in disease. Therefore, it has been classified as a Variant of Uncertain Significance.